The following is an entry in ClinVar:

NM_014251.3(SLC25A13):c.1770A>T (p.Ser590=)

Gene: SLC25A13 (solute carrier family 25 member 13; minus strand). Cytogenetic location: 7q21.3.
Variant type: single nucleotide variant.
Coding change: c.1770A>T on transcript NM_014251.3 (MANE Select); coding-DNA position 1770, A replaced by T.
Protein change: p.Ser590=; no amino-acid change (serine 590 retained).
Molecular consequence: synonymous variant. On other transcripts: non-coding transcript variant (1).
Genome position (GRCh38, 1-based): chr7:96,121,726, T>A on the plus strand (A>T on the coding strand, the complement: SLC25A13 is on the minus strand). VCF-style: chr7-96121726-T-A. GRCh37 (hg19) VCF-style: chr7-95751038-T-A.
Other names: c.1773A>T, p.Ser591= (NM_001160210.2); c.1770A>T (NM_014251.2).
Identifiers: ClinVar variation 1084459 (VCV001084459.11), dbSNP rs769993871, ClinGen allele CA4352786.
Genomic context (GRCh38, chr7:96,121,726, plus strand): 5'-ATCAATGTAGAACCATCGCTGTAGCAATTCGTAAGTCAGCAAAGTTACACCAAACTGGGG[T>A]GAGGATCGAAATACACGAGCTTTAAAAAAATGGAGAAATCACAGATATAATTAGATATTT-3'
Protein context (NP_055066.1, residues 580-600): KGAGARVFRS[Ser590=]PQFGVTLLTY

ClinVar aggregate classification (germline): Conflicting classifications of pathogenicity. Review status: criteria provided, conflicting classifications (1 of 4 stars). 2 submissions from 2 submitters: Uncertain significance (1); Likely benign (1). Last evaluated 2026-09-21.

Conditions:
SLC25A13-related disorder. Also called: SLC25A13-related condition.
Citrin deficiency. Identifiers: Orphanet 247582, MedGen C1997910, MONDO:0016602.

Allele frequency attached by ClinVar (database versions not stated): gnomAD 0.00004 and 0.00003; gnomAD exomes 0.00001; ExAC 0.00002; TOPMed 0.00002.
gnomAD v4.1: 21 of 1,614,014 alleles (0.0013%); highest among the groups gnomAD compares: Non-Finnish European, 0.0018%; no homozygotes.

Submissions (3):

PreventionGenetics, part of Exact Sciences
Classification: Uncertain significance for SLC25A13-related condition. Last evaluated: 2026-09-21. Review status: criteria provided, single submitter. Criteria: ACMG Guidelines, 2015. Collection method: clinical testing. Allele origin: germline.
Comment: The SLC25A13 c.1770A>T variant is not predicted to result in an amino acid change (p.=). This variant is predicted to alter splicing based on available splicing prediction programs (SpliceAI, Jaganathan et al. 2019. PubMed ID: 30661751). However, the use of computer prediction programs is not equivalent to functional evidence. To our knowledge, this variant has not been reported in the literature. This variant is reported in 0.0031% of alleles in individuals of European (Non-Finnish) descent in gnomAD. At this time, the clinical significance of this variant is uncertain due to the absence of conclusive functional and genetic evidence.

Labcorp Genetics (formerly Invitae), Labcorp
Classification: Likely benign for Citrin deficiency. Last evaluated: 2026-01-25. Review status: criteria provided, single submitter. Criteria: Invitae Variant Classification Sherloc (09022015). Collection method: clinical testing. Allele origin: germline.

Dr. Peter K. Rogan Lab, Western University
No classification provided (evidence only). Condition: Clear cell carcinoma of kidney. Review status: no classification provided. Collection method: in vitro. Allele origin: not applicable. Functional consequence: retained intron. Not counted in ClinVar's aggregate classification.